The following is an entry in ClinVar:

NM_000052.7(ATP7A):c.4067G>A (p.Arg1356Gln)

Gene: ATP7A (ATPase copper transporting alpha; plus strand). Cytogenetic location: Xq21.1.
Variant type: single nucleotide variant.
Coding change: c.4067G>A on transcript NM_000052.7 (MANE Select); coding-DNA position 4067, G replaced by A.
Protein change: p.Arg1356Gln; replaces arginine 1356 with glutamine.
Molecular consequence: missense variant. On other transcripts: non-coding transcript variant (1).
Genome position (GRCh38, 1-based): chrX:78,043,378, G>A. VCF-style: chrX-78043378-G-A. GRCh37 (hg19) VCF-style: chrX-77298876-G-A.
Other names: c.3833G>A, p.Arg1278Gln (NM_001282224.2); short protein forms R1356Q, R1278Q.
Identifiers: ClinVar variation 706099 (VCV000706099.12), dbSNP rs782260602, ClinGen allele CA10459497.

ClinVar aggregate classification (germline): Benign/Likely benign. Review status: criteria provided, multiple submitters, no conflicts (2 of 4 stars). 2 submissions from 2 submitters: Benign (1); Likely benign (1). Last evaluated 2025-08-13.

Conditions:
ATP7A-related disorder. Also called: ATP7A-related condition.
X-linked distal spinal muscular atrophy type 3. Also called: ATP7A-Related Distal Motor Neuropathy; SPINAL MUSCULAR ATROPHY, DISTAL, X-LINKED RECESSIVE; NEUROPATHY, DISTAL HEREDITARY MOTOR, X-LINKED; NEURONOPATHY, DISTAL HEREDITARY MOTOR, X-LINKED. Identifiers: Orphanet 139557, MedGen C1845359, MONDO:0010338, OMIM 300489.
Cutis laxa, X-linked (OHS). Also called: EDS IX; Occipital horn syndrome. Identifiers: Orphanet 198, MedGen C0268353, MONDO:0010572, OMIM 304150.
Menkes kinky-hair syndrome (MNK). Also called: Menkes Disease; Classic Menkes Disease; Copper transport disease. Identifiers: Orphanet 565, MedGen C0022716, MONDO:0010651, OMIM 309400.

Allele frequency attached by ClinVar (database versions not stated): TOPMed below 0.00001; gnomAD 0.00001 and 0.00005; gnomAD exomes 0.00006 and 0.00018; ExAC 0.00023; 1000 Genomes Project 0.00079; 1000 Genomes Project 30x 0.00083.
gnomAD v4.1: 74 of 1,208,112 alleles (0.0061%); highest among the groups gnomAD compares: South Asian, 0.11%; 1 homozygote.

Submissions (2):

Labcorp Genetics (formerly Invitae), Labcorp
Classification: Benign for X-linked distal spinal muscular atrophy type 3; Cutis laxa, X-linked; Menkes kinky-hair syndrome. Last evaluated: 2025-08-13. Review status: criteria provided, single submitter. Criteria: Invitae Variant Classification Sherloc (09022015). Collection method: clinical testing. Allele origin: germline.

PreventionGenetics, part of Exact Sciences
Classification: Likely benign for ATP7A-related condition. Last evaluated: 2025-02-10. Review status: criteria provided, single submitter. Criteria: ACMG Guidelines, 2015. Collection method: clinical testing. Allele origin: germline.
Comment: This variant is classified as likely benign based on ACMG/AMP sequence variant interpretation guidelines (Richards et al. 2015 PMID: 25741868, with internal and published modifications).